The following is an entry in ClinVar:

ClinVar aggregate classification (germline): Likely benign. Review status: criteria provided, multiple submitters, no conflicts (2 of 4 stars). 2 submissions from 2 submitters: Likely benign (2). Last evaluated 2023-12-19.

Allele frequency attached by ClinVar (database versions not stated): gnomAD exomes below 0.00001 and 0.00001; ExAC 0.00001; TOPMed 0.00001.
gnomAD v4.1: 10 of 1,607,788 alleles (0.00062%); highest among the groups gnomAD compares: Non-Finnish European, 0.00085%; no homozygotes.

Submissions (2):

Labcorp Genetics (formerly Invitae), Labcorp
Classification: Likely benign. Last evaluated: 2023-12-19. Review status: criteria provided, single submitter. Criteria: Invitae Variant Classification Sherloc (09022015). Collection method: clinical testing. Allele origin: germline.

Laboratory for Molecular Medicine, Mass General Brigham Personalized Medicine
Classification: Likely benign. Last evaluated: 2014-02-20. Review status: criteria provided, single submitter. Criteria: LMM Criteria. Collection method: clinical testing. Allele origin: germline. Observed: 1 variant allele.
Comment: 5712+9T>C in intron 43 of CDH23: This variant is not expected to have clinical s ignificance because it is not located within the splice consensus sequence and i s not predicted to affect slicing.

NM_022124.6(CDH23):c.5712+9T>C

Gene: CDH23 (cadherin related 23; plus strand). Cytogenetic location: 10q22.1.
Variant type: single nucleotide variant.
Coding change: c.5712+9T>C on transcript NM_022124.6 (MANE Select); 9 bases into the intron after coding-DNA position 5712, T replaced by C.
Molecular consequence: intron variant.
Genome position (GRCh38, 1-based): chr10:71,785,109, T>C. VCF-style: chr10-71785109-T-C. GRCh37 (hg19) VCF-style: chr10-73544866-T-C.
Identifiers: ClinVar variation 179620 (VCV000179620.7), dbSNP rs727504996, ClinGen allele CA184794.